The following is an entry in ClinVar:

ClinVar aggregate classification (germline): Pathogenic. Review status: criteria provided, multiple submitters, no conflicts (2 of 4 stars). 3 submissions from 3 submitters: Pathogenic (3). Last evaluated 2026-05-21.

Conditions:
Hereditary cancer-predisposing syndrome. Also called: Hereditary neoplastic syndrome; Neoplastic Syndromes, Hereditary; Tumor predisposition; Hereditary Cancer Syndrome. Identifiers: Orphanet 140162, MedGen C0027672, MeSH D009386, MONDO:0015356.
Hereditary pheochromocytoma and paraganglioma. Also called: Hereditary pheochromocytoma-paraganglioma; Hereditary Paraganglioma-Pheochromocytoma Syndromes; Hereditary paragangliomas and pheochromocytomas. Identifiers: Orphanet 29072, MedGen C4274332, MONDO:0017366.

Submissions (3):

Myriad Genetics, Inc.
Classification: Pathogenic for Hereditary pheochromocytoma and paraganglioma. Last evaluated: 2026-05-21. Review status: criteria provided, single submitter. Criteria: Myriad Autosomal Dominant, Autosomal Recessive and X-Linked Classification Criteria (2023). Collection method: clinical testing. Allele origin: unknown.
Comment: This variant is considered pathogenic. This variant creates a frameshift predicted to result in premature protein truncation.

Labcorp Genetics (formerly Invitae), Labcorp
Classification: Pathogenic for Hereditary pheochromocytoma and paraganglioma. Last evaluated: 2025-02-04. Review status: criteria provided, single submitter. Criteria: Invitae Variant Classification Sherloc (09022015). Collection method: clinical testing. Allele origin: germline.
Comment: This sequence change creates a premature translational stop signal (p.Val68Glyfs*40) in the TMEM127 gene. It is expected to result in an absent or disrupted protein product. Loss-of-function variants in TMEM127 are known to be pathogenic (PMID: 20154675, 21156949). This variant is not present in population databases (gnomAD no frequency). This variant has not been reported in the literature in individuals affected with TMEM127-related conditions. ClinVar contains an entry for this variant (Variation ID: 1377988). For these reasons, this variant has been classified as Pathogenic.

Ambry Genetics
Classification: Pathogenic for Hereditary cancer-predisposing syndrome. Last evaluated: 2023-06-05. Review status: criteria provided, single submitter. Criteria: Ambry Variant Classification Scheme 2023. Collection method: clinical testing. Allele origin: germline.
Comment: The c.202dupG pathogenic mutation, located in coding exon 1 of the TMEM127 gene, results from a duplication of G at nucleotide position 202, causing a translational frameshift with a predicted alternate stop codon (p.V68Gfs*40). This variant is considered to be rare based on population cohorts in the Genome Aggregation Database (gnomAD). This alteration is expected to result in loss of function by premature protein truncation or nonsense-mediated mRNA decay. As such, this alteration is interpreted as a disease-causing mutation.

Literature cited by the submitters: PubMed 20154675 (cited by Labcorp Genetics (formerly Invitae), Labcorp); PubMed 21156949 (cited by Labcorp Genetics (formerly Invitae), Labcorp).

NM_017849.4(TMEM127):c.202dup (p.Val68fs)

Gene: TMEM127 (transmembrane protein 127; minus strand). Cytogenetic location: 2q11.2.
Variant type: Duplication.
Coding change: c.202dup on transcript NM_017849.4 (MANE Select); coding-DNA position 202, one base duplicated (G; older notation c.202dupG).
Protein change: p.Val68fs; shifts the reading frame from valine 68.
Molecular consequence: frameshift variant.
Genome position (GRCh38, 1-based): chr2:96,265,180, C duplicated on the plus strand (G on the coding strand, the reverse complement: TMEM127 is on the minus strand); the first of 5 consecutive C bases (chr2:96,265,180-96,265,184); duplicating any one gives the same sequence. VCF-style (leftmost placement, unchanged base first): chr2-96265179-A-AC. GRCh37 (hg19) VCF-style: chr2-96930917-A-AC.
Other names: c.202dup, p.Val68fs (NM_001193304.3); c.202dupG (NM_017849.3); short protein forms V68fs.
Identifiers: ClinVar variation 1377988 (VCV001377988.8), dbSNP rs1684388744, ClinGen allele CA16044069.
Genomic context (GRCh38, chr2:96,265,179, plus strand): 5'-CAGCGCGCAGCACCCTCACCTTTCAGCAGGTCCGGGTGCACATAGCCCAACACGTCGGAG[A>AC]CCCCCAGCTCCTGGCGCGAACAGGTGCCTCCGTGGATGTGCAACCAGGCGGGCTCGGCGA-3'